The following is an entry in ClinVar:

NM_001184.4(ATR):c.4151T>A (p.Val1384Glu)

Gene: ATR (ATR checkpoint kinase; minus strand). Cytogenetic location: 3q23.
Variant type: single nucleotide variant.
Coding change: c.4151T>A on transcript NM_001184.4 (MANE Select); coding-DNA position 4151, T replaced by A.
Protein change: p.Val1384Glu; replaces valine 1384 with glutamic acid.
Molecular consequence: missense variant.
Genome position (GRCh38, 1-based): chr3:142,523,994, A>T on the plus strand (T>A on the coding strand, the complement: ATR is on the minus strand). VCF-style: chr3-142523994-A-T. GRCh37 (hg19) VCF-style: chr3-142242836-A-T.
Other names: c.3959T>A, p.Val1320Glu (NM_001354579.2); short protein forms V1320E, V1384E.
Identifiers: ClinVar variation 1738268 (VCV001738268.3), dbSNP rs2473264677, ClinGen allele CA354801882.

ClinVar aggregate classification (germline): Uncertain significance (1 of 4 stars; one submission).

Conditions:
Inborn genetic diseases. Identifiers: MedGen C0950123, MeSH D030342.

Submission:

Ambry Genetics
Classification: Uncertain significance for Inborn genetic diseases. Last evaluated: 2024-05-11. Review status: criteria provided, single submitter. Criteria: Ambry Variant Classification Scheme 2023. Collection method: clinical testing. Allele origin: germline.
Comment: The p.V1384E variant (also known as c.4151T>A), located in coding exon 22 of the ATR gene, results from a T to A substitution at nucleotide position 4151. The valine at codon 1384 is replaced by glutamic acid, an amino acid with dissimilar properties. This amino acid position is conserved. In addition, the in silico prediction for this alteration is inconclusive. Since supporting evidence is limited at this time, the clinical significance of this alteration remains unclear.